The following is an entry in ClinVar:

ClinVar aggregate classification (germline): Likely benign. Review status: criteria provided, single submitter (1 of 4 stars). 2 submissions from 2 submitters: Likely benign (1). 1 of the submissions does not count toward it. Last evaluated 2019-12-31.

Conditions:
PLXND1-related disorder. Also called: PLXND1-related condition.

Allele frequency attached by ClinVar (database versions not stated): gnomAD exomes 0.00012 and 0.00024; ExAC 0.00014; gnomAD 0.00014; TOPMed 0.00015; ESP Exome Variant Server 0.00023.
gnomAD v4.1: 378 of 1,590,214 alleles (0.024%); highest among the groups gnomAD compares: Non-Finnish European, 0.029%; no homozygotes.

Submissions (2):

Labcorp Genetics (formerly Invitae), Labcorp
Classification: Likely benign. Last evaluated: 2019-12-31. Review status: criteria provided, single submitter. Criteria: Invitae Variant Classification Sherloc (09022015). Collection method: clinical testing. Allele origin: germline.

PreventionGenetics, part of Exact Sciences
Classification: Likely benign for PLXND1-related condition. Last evaluated: 2019-09-10. Review status: no assertion criteria provided. Collection method: clinical testing. Allele origin: germline. Not counted in ClinVar's aggregate classification.
Comment: This variant is classified as likely benign based on ACMG/AMP sequence variant interpretation guidelines (Richards et al. 2015 PMID: 25741868, with internal and published modifications).

NM_015103.3(PLXND1):c.1650C>T (p.Asn550=)

Gene: PLXND1 (plexin D1; minus strand). Cytogenetic location: 3q22.1.
Variant type: single nucleotide variant.
Coding change: c.1650C>T on transcript NM_015103.3 (MANE Select); coding-DNA position 1650, C replaced by T.
Protein change: p.Asn550=; no amino-acid change (asparagine 550 retained).
Molecular consequence: synonymous variant.
Genome position (GRCh38, 1-based): chr3:129,586,243, G>A on the plus strand (C>T on the coding strand, the complement: PLXND1 is on the minus strand). VCF-style: chr3-129586243-G-A. GRCh37 (hg19) VCF-style: chr3-129305086-G-A.
Identifiers: ClinVar variation 744934 (VCV000744934.6), dbSNP rs369291731, ClinGen allele CA2609296.